The following is an entry in ClinVar:

ClinVar aggregate classification (germline): Uncertain significance. Review status: criteria provided, multiple submitters, no conflicts (2 of 4 stars). 2 submissions from 2 submitters: Uncertain significance (2). Last evaluated 2025-01-13.

Conditions:
Inborn genetic diseases. Identifiers: MedGen C0950123, MeSH D030342.
Autoimmune interstitial lung disease-arthritis syndrome. Also called: Autoinflammation and autoimmunity, systemic, with immune dysregulation. Identifiers: Orphanet 444092, MedGen C5975714, MONDO:0014629.

Allele frequency attached by ClinVar (database versions not stated): gnomAD 0.00001; TOPMed 0.00002.
gnomAD v4.1: 2 of 1,613,972 alleles (0.00012%); highest among the groups gnomAD compares: South Asian, 0.0011%; no homozygotes.

Submissions (2):

Labcorp Genetics (formerly Invitae), Labcorp
Classification: Uncertain significance for Autoimmune interstitial lung disease-arthritis syndrome. Last evaluated: 2025-01-13. Review status: criteria provided, single submitter. Criteria: Invitae Variant Classification Sherloc (09022015). Collection method: clinical testing. Allele origin: germline.
Comment: This sequence change replaces arginine, which is basic and polar, with glutamine, which is neutral and polar, at codon 1009 of the COPA protein (p.Arg1009Gln). This variant is not present in population databases (gnomAD no frequency). This variant has not been reported in the literature in individuals affected with COPA-related conditions. ClinVar contains an entry for this variant (Variation ID: 1041813). Invitae Evidence Modeling of protein sequence and biophysical properties (such as structural, functional, and spatial information, amino acid conservation, physicochemical variation, residue mobility, and thermodynamic stability) indicates that this missense variant is not expected to disrupt COPA protein function with a negative predictive value of 80%. In summary, the available evidence is currently insufficient to determine the role of this variant in disease. Therefore, it has been classified as a Variant of Uncertain Significance.

Ambry Genetics
Classification: Uncertain significance for Inborn genetic diseases. Last evaluated: 2024-10-08. Review status: criteria provided, single submitter. Criteria: Ambry Variant Classification Scheme 2023. Collection method: clinical testing. Allele origin: germline.

NM_004371.4(COPA):c.3026G>A (p.Arg1009Gln)

Gene: COPA (coat protein complex I subunit alpha; minus strand). Cytogenetic location: 1q23.2.
Variant type: single nucleotide variant.
Coding change: c.3026G>A on transcript NM_004371.4 (MANE Select); coding-DNA position 3026, G replaced by A.
Protein change: p.Arg1009Gln; replaces arginine 1009 with glutamine.
Molecular consequence: missense variant.
Genome position (GRCh38, 1-based): chr1:160,292,133, C>T on the plus strand (G>A on the coding strand, the complement: COPA is on the minus strand). VCF-style: chr1-160292133-C-T. GRCh37 (hg19) VCF-style: chr1-160261923-C-T.
Other names: c.3053G>A, p.Arg1018Gln (NM_001098398.2); c.3053G>A (NM_001098398.1); short protein forms R1009Q, R1018Q.
Identifiers: ClinVar variation 1041813 (VCV001041813.9), dbSNP rs761236399, ClinGen allele CA343272399.